The following is an entry in ClinVar:

ClinVar aggregate classification (germline): Benign/Likely benign. Review status: criteria provided, multiple submitters, no conflicts (2 of 4 stars). 4 submissions from 4 submitters: Benign (1); Likely benign (3). Last evaluated 2026-02-03.

Conditions:
Epilepsy. Also called: Seizure disorder. Identifiers: MedGen C0014544, MeSH D004827, MONDO:0005027.
Developmental and epileptic encephalopathy, 77. Also called: EPILEPTIC ENCEPHALOPATHY, EARLY INFANTILE, 77; GLYCOSYLPHOSPHATIDYLINOSITOL BIOSYNTHESIS DEFECT 19; MULTIPLE CONGENITAL ANOMALIES-HYPOTONIA-SEIZURES SYNDROME 4. Identifiers: MedGen C5231405, MONDO:0032808, OMIM 618548.

Allele frequency attached by ClinVar (database versions not stated): 1000 Genomes Project 0.00040; 1000 Genomes Project 30x 0.00047; gnomAD 0.00115; TOPMed 0.00160; ESP Exome Variant Server 0.00200.
gnomAD v4.1: 3,772 of 1,607,022 alleles (0.23%); highest among the groups gnomAD compares: Non-Finnish European, 0.29%; 12 homozygotes.

Submissions (4):

Labcorp Genetics (formerly Invitae), Labcorp
Classification: Likely benign for Epilepsy. Last evaluated: 2026-02-03. Review status: criteria provided, single submitter. Criteria: Invitae Variant Classification Sherloc (09022015). Collection method: clinical testing. Allele origin: germline.

CeGaT Center for Human Genetics Tuebingen
Classification: Likely benign. Last evaluated: 2026-02-01. Review status: criteria provided, single submitter. Criteria: CeGaT Center For Human Genetics Tuebingen Variant Classification Criteria Version 2. Collection method: clinical testing. Allele origin: germline. Affected: yes. Observed: 11 variant alleles.
Comment: PIGQ: BP4, BS2

Mayo Clinic Laboratories, Mayo Clinic
Classification: Benign. Last evaluated: 2025-03-11. Review status: criteria provided, single submitter. Criteria: ACMG Guidelines, 2015. Collection method: clinical testing. Allele origin: germline. Observed: 1 variant allele.
Comment: BS1, BS2, BP4

ARUP Laboratories, Molecular Genetics and Genomics, ARUP Laboratories
Classification: Likely benign for Developmental and epileptic encephalopathy, 77. Last evaluated: 2024-06-07. Review status: criteria provided, single submitter. Criteria: ARUP Molecular Germline Variant Investigation Process 2024. Collection method: clinical testing. Allele origin: germline.

NM_004204.5(PIGQ):c.1546C>A (p.Arg516Ser)

Gene: PIGQ (phosphatidylinositol glycan anchor biosynthesis class Q; plus strand). Cytogenetic location: 16p13.3.
Variant type: single nucleotide variant.
Coding change: c.1546C>A on transcript NM_004204.5 (MANE Select); coding-DNA position 1546, C replaced by A.
Protein change: p.Arg516Ser; replaces arginine 516 with serine.
Molecular consequence: missense variant. On other transcripts: intron variant (1).
Genome position (GRCh38, 1-based): chr16:582,262, C>A. VCF-style: chr16-582262-C-A. GRCh37 (hg19) VCF-style: chr16-632262-C-A.
Other names: p.Arg516Ser; c.1532-621C>A (NM_148920.4); c.1546C>A (NM_004204.4); short protein forms R516S.
Identifiers: ClinVar variation 456035 (VCV000456035.41), dbSNP rs144613953, ClinGen allele CA7780433.
Genomic context (GRCh38, chr16:582,262, plus strand): 5'-GCCAGCCCCCACGCGTCCCCTCGTCAGCCGCTTGCTATCCTTGCAGCTGGCGTGAAGTTC[C>A]GTGTCCTCCGGCACGAGGCCGGCAGGCCCCTCCGCCTCCTGATGCAGGTGAGGCCCCTTG-3'
Protein context (NP_004195.2, residues 506-526): PYRLAAGVKF[Arg516Ser]VLRHEAGRPL